The following is an entry in ClinVar:

ClinVar aggregate classification (germline): Uncertain significance. Review status: criteria provided, multiple submitters, no conflicts (2 of 4 stars). 3 submissions from 3 submitters: Uncertain significance (3). Last evaluated 2025-04-12.

Conditions:
Inborn genetic diseases. Identifiers: MedGen C0950123, MeSH D030342.
Hereditary sensory and autonomic neuropathy type 7. Also called: HSAN VII; Neuropathy, hereditary sensory and autonomic, type VII. Identifiers: Orphanet 391397, MedGen C3809882, MONDO:0014244, OMIM 615548.
Familial episodic pain syndrome with predominantly lower limb involvement. Also called: Episodic pain syndrome, familial, 3. Identifiers: Orphanet 391384, Orphanet 391392, MedGen C3809899, MONDO:0014247, OMIM 615552.

Allele frequency attached by ClinVar (database versions not stated): gnomAD exomes below 0.00001.
gnomAD v4.1: 4 of 1,614,198 alleles (0.00025%); highest among the groups gnomAD compares: South Asian, 0.0011%; no homozygotes.

Submissions (3):

Ambry Genetics
Classification: Uncertain significance for Inborn genetic diseases. Last evaluated: 2025-04-12. Review status: criteria provided, single submitter. Criteria: Ambry Variant Classification Scheme 2023. Collection method: clinical testing. Allele origin: germline.

Labcorp Genetics (formerly Invitae), Labcorp
Classification: Uncertain significance for Familial episodic pain syndrome with predominantly lower limb involvement; Hereditary sensory and autonomic neuropathy type 7. Last evaluated: 2024-03-21. Review status: criteria provided, single submitter. Criteria: Invitae Variant Classification Sherloc (09022015). Collection method: clinical testing. Allele origin: germline.
Comment: This sequence change replaces isoleucine, which is neutral and non-polar, with threonine, which is neutral and polar, at codon 1510 of the SCN11A protein (p.Ile1510Thr). This variant is present in population databases (no rsID available, gnomAD 0.0009%). This variant has not been reported in the literature in individuals affected with SCN11A-related conditions. ClinVar contains an entry for this variant (Variation ID: 1803422). Advanced modeling of protein sequence and biophysical properties (such as structural, functional, and spatial information, amino acid conservation, physicochemical variation, residue mobility, and thermodynamic stability) performed at Invitae indicates that this missense variant is expected to disrupt SCN11A protein function with a positive predictive value of 80%. In summary, the available evidence is currently insufficient to determine the role of this variant in disease. Therefore, it has been classified as a Variant of Uncertain Significance.

GeneDx
Classification: Uncertain significance. Last evaluated: 2022-06-08. Review status: criteria provided, single submitter. Criteria: GeneDx Variant Classification Process June 2021. Collection method: clinical testing. Allele origin: germline. Affected: yes.
Comment: Not observed at significant frequency in large population cohorts (gnomAD); In silico analysis supports that this missense variant has a deleterious effect on protein structure/function; Has not been previously published as pathogenic or benign to our knowledge

NM_001349253.2(SCN11A):c.4529T>C (p.Ile1510Thr)

Gene: SCN11A (sodium voltage-gated channel alpha subunit 11; minus strand). Cytogenetic location: 3p22.2.
Variant type: single nucleotide variant.
Coding change: c.4529T>C on transcript NM_001349253.2 (MANE Select); coding-DNA position 4529, T replaced by C.
Protein change: p.Ile1510Thr; replaces isoleucine 1510 with threonine.
Molecular consequence: missense variant.
Genome position (GRCh38, 1-based): chr3:38,847,541, A>G on the plus strand (T>C on the coding strand, the complement: SCN11A is on the minus strand). VCF-style: chr3-38847541-A-G. GRCh37 (hg19) VCF-style: chr3-38889032-A-G.
Other names: c.4529T>C, p.Ile1510Thr (NM_014139.3); short protein forms I1510T.
Identifiers: ClinVar variation 1803422 (VCV001803422.7), dbSNP rs1378380637, ClinGen allele CA352163551.